The following is an entry in ClinVar:

ClinVar aggregate classification (germline): Uncertain significance (1 of 4 stars; one submission).

Submission:

Quest Diagnostics Nichols Institute San Juan Capistrano
Classification: Uncertain significance. Last evaluated: 2024-07-01. Review status: criteria provided, single submitter. Criteria: Quest Diagnostics criteria. Collection method: clinical testing. Allele origin: unknown.
Comment: The MSH6 c.1324A>C (p.Ile442Leu) variant has not been reported in individuals with MSH6-related conditions in the published literature. It also has not been reported in large, multi-ethnic general populations (Genome Aggregation Database). Analysis of this variant using bioinformatics tools for the prediction of the effect of amino acid changes on protein structure and function yielded predictions that this variant is benign. Based on the available information, we are unable to determine the clinical significance of this variant.

NM_000179.3(MSH6):c.1324A>C (p.Ile442Leu)

Gene: MSH6 (mutS homolog 6; plus strand). Cytogenetic location: 2p16.3.
Variant type: single nucleotide variant.
Coding change: c.1324A>C on transcript NM_000179.3 (MANE Select); coding-DNA position 1324, A replaced by C.
Protein change: p.Ile442Leu; replaces isoleucine 442 with leucine.
Molecular consequence: missense variant. On other transcripts: non-coding transcript variant (4), intron variant (1).
Genome position (GRCh38, 1-based): chr2:47,799,307, A>C. VCF-style: chr2-47799307-A-C. GRCh37 (hg19) VCF-style: chr2-48026446-A-C.
Other names: c.934A>C, p.Ile312Leu (NM_001281492.2); c.418A>C, p.Ile140Leu (NM_001281493.2, NM_001281494.2, NM_001406811.1 and 6 more transcripts); c.1420A>C, p.Ile474Leu (NM_001406795.1, NM_001406802.1); c.1324A>C, p.Ile442Leu (NM_001406796.1, NM_001406798.1, NM_001406800.1 and 4 more transcripts); c.1027A>C, p.Ile343Leu (NM_001406797.1, NM_001406801.1, NM_001406805.1 and 10 more transcripts); c.799A>C, p.Ile267Leu (NM_001406799.1, NM_001406806.1, NM_001406807.1); c.1246A>C, p.Ile416Leu (NM_001406804.1); c.1330A>C, p.Ile444Leu (NM_001406813.1); and 2 more; short protein forms I140L, I312L, I442L, I267L, I343L, I416L, I444L, I474L.
Identifiers: ClinVar variation 3572421 (VCV003572421.1).